The following is an entry in ClinVar:

NM_031471.6(FERMT3):c.1445G>A (p.Gly482Asp)

Gene: FERMT3 (FERM domain containing kindlin 3; plus strand). Cytogenetic location: 11q13.1.
Variant type: single nucleotide variant.
Coding change: c.1445G>A on transcript NM_031471.6 (MANE Select); coding-DNA position 1445, G replaced by A.
Protein change: p.Gly482Asp; replaces glycine 482 with aspartic acid.
Molecular consequence: missense variant.
Genome position (GRCh38, 1-based): chr11:64,220,569, G>A. VCF-style: chr11-64220569-G-A. GRCh37 (hg19) VCF-style: chr11-63988041-G-A.
Other names: c.1445G>A, p.Gly482Asp (NM_001382361.1, NM_001382448.1); c.1457G>A, p.Gly486Asp (NM_001382362.1, NM_178443.3); c.905G>A, p.Gly302Asp (NM_001382363.1); c.917G>A, p.Gly306Asp (NM_001382364.1); short protein forms G302D, G306D, G482D, G486D.
Identifiers: ClinVar variation 1053054 (VCV001053054.4), dbSNP rs773457746, ClinGen allele CA6069165.

ClinVar aggregate classification (germline): Uncertain significance (1 of 4 stars; one submission).

Conditions:
Leukocyte adhesion deficiency 3. Also called: Leukocyte adhesion deficiency, type III; INTEGRIN ACTIVATION DEFICIENCY DISEASE; LEUKOCYTE ADHESION DEFICIENCY 1 VARIANT. Identifiers: Orphanet 2968, Orphanet 99844, MedGen C2748536, MONDO:0013016, OMIM 612840.

Allele frequency attached by ClinVar (database versions not stated): gnomAD exomes 0.00001 and 0.00005; gnomAD 0.00003; TOPMed 0.00003; ExAC 0.00006.
gnomAD v4.1: 26 of 1,607,884 alleles (0.0016%); highest among the groups gnomAD compares: East Asian, 0.038%; no homozygotes.

Submission:

Labcorp Genetics (formerly Invitae), Labcorp
Classification: Uncertain significance for Leukocyte adhesion deficiency 3. Last evaluated: 2021-10-10. Review status: criteria provided, single submitter. Criteria: Invitae Variant Classification Sherloc (09022015). Collection method: clinical testing. Allele origin: germline.
Comment: This sequence change replaces glycine with aspartic acid at codon 482 of the FERMT3 protein (p.Gly482Asp). The glycine residue is moderately conserved and there is a moderate physicochemical difference between glycine and aspartic acid. This variant is present in population databases (rs773457746, ExAC 0.06%). This variant has not been reported in the literature in individuals affected with FERMT3-related conditions. Algorithms developed to predict the effect of missense changes on protein structure and function are either unavailable or do not agree on the potential impact of this missense change (SIFT: "Deleterious"; PolyPhen-2: "Benign"; Align-GVGD: "Class C0"). In summary, the available evidence is currently insufficient to determine the role of this variant in disease. Therefore, it has been classified as a Variant of Uncertain Significance.